The following is an entry in ClinVar:

ClinVar aggregate classification (germline): Uncertain significance (1 of 4 stars; one submission).

Submission:

Ambry Genetics
Classification: Uncertain significance. Last evaluated: 2026-05-15. Review status: criteria provided, single submitter. Criteria: Ambry Variant Classification Scheme 2023. Collection method: clinical testing. Allele origin: germline.
Comment: The p.E772K variant (also known as c.2314G>A), located in coding exon 1 of the TET2 gene, results from a G to A substitution at nucleotide position 2314. The glutamic acid at codon 772 is replaced by lysine, an amino acid with similar properties. This amino acid position is conserved. In addition, this alteration is predicted to be tolerated by in silico analysis. Based on the available evidence, the clinical significance of this variant remains unclear.

NM_001127208.3(TET2):c.2314G>A (p.Glu772Lys)

Genes: TET2 (tet methylcytosine dioxygenase 2; plus strand), TET2-AS1 (TET2 antisense RNA 1; minus strand). Cytogenetic location: 4q24.
Variant type: single nucleotide variant.
Coding change: c.2314G>A on transcript NM_001127208.3 (MANE Select); coding-DNA position 2314, G replaced by A.
Protein change: p.Glu772Lys; replaces glutamic acid 772 with lysine.
Molecular consequence: missense variant.
Genome position (GRCh38, 1-based): chr4:105,236,256, G>A. VCF-style: chr4-105236256-G-A. GRCh37 (hg19) VCF-style: chr4-106157413-G-A.
Other names: c.2314G>A, p.Glu772Lys (NM_017628.4); short protein forms E772K.
Identifiers: ClinVar variation 4865573 (VCV004865573.1).